The following is an entry in ClinVar:

ClinVar aggregate classification (germline): Uncertain significance (1 of 4 stars; one submission).

Conditions:
Familial cancer of breast. Also called: BREAST CANCER, FAMILIAL; hereditary breast carcinoma; Hereditary breast cancer. Identifiers: Orphanet 227535, MedGen C0346153, MONDO:0016419, OMIM 114480. Disease mechanism: loss of function.

Submission:

Labcorp Genetics (formerly Invitae), Labcorp
Classification: Uncertain significance for Familial cancer of breast. Last evaluated: 2023-04-27. Review status: criteria provided, single submitter. Criteria: Invitae Variant Classification Sherloc (09022015). Collection method: clinical testing. Allele origin: germline.
Comment: In summary, the available evidence is currently insufficient to determine the role of this variant in disease. Therefore, it has been classified as a Variant of Uncertain Significance. Variants that disrupt the consensus splice site are a relatively common cause of aberrant splicing (PMID: 17576681, 9536098). An algorithm developed to predict the effect of missense changes on protein structure and function (PolyPhen-2) suggests that this variant is likely to be disruptive. This variant has not been reported in the literature in individuals affected with PALB2-related conditions. This variant is not present in population databases (gnomAD no frequency). This sequence change replaces glutamine, which is neutral and polar, with histidine, which is basic and polar, at codon 36 of the PALB2 protein (p.Gln36His). This variant also falls at the last nucleotide of exon 2, which is part of the consensus splice site for this exon.

Literature cited by the submitters: PubMed 17576681; PubMed 9536098.

NM_024675.4(PALB2):c.108G>C (p.Gln36His)

Gene: PALB2 (partner and localizer of BRCA2; minus strand). Cytogenetic location: 16p12.2.
Variant type: single nucleotide variant.
Coding change: c.108G>C on transcript NM_024675.4 (MANE Select); coding-DNA position 108, G replaced by C.
Protein change: p.Gln36His; replaces glutamine 36 with histidine.
Molecular consequence: missense variant. On other transcripts: 5 prime UTR variant (8), intron variant (4).
Genome position (GRCh38, 1-based): chr16:23,638,070, C>G on the plus strand (G>C on the coding strand, the complement: PALB2 is on the minus strand). VCF-style: chr16-23638070-C-G. GRCh37 (hg19) VCF-style: chr16-23649391-C-G.
Other names: c.108G>C, p.Gln36His (NM_001407297.1, NM_001407298.1, NM_001407299.1 and 3 more transcripts); c.-778G>C (NM_001407304.1, NM_001407305.1, NM_001407306.1 and 5 more transcripts); c.48+3040G>C (NM_001407314.1); c.-105+3040G>C (NM_001407313.1, NM_001407312.1); c.49-118G>C (NM_001407296.1); short protein forms Q36H.
Identifiers: ClinVar variation 2815056 (VCV002815056.3), dbSNP rs1567224146, ClinGen allele CA395139575.